The following is an entry in ClinVar:

NM_006734.4(HIVEP2):c.913A>T (p.Ile305Phe)

Gene: HIVEP2 (HIVEP zinc finger 2; minus strand). Cytogenetic location: 6q24.2.
Variant type: single nucleotide variant.
Coding change: c.913A>T on transcript NM_006734.4 (MANE Select); coding-DNA position 913, A replaced by T.
Protein change: p.Ile305Phe; replaces isoleucine 305 with phenylalanine.
Molecular consequence: missense variant.
Genome position (GRCh38, 1-based): chr6:142,773,826, T>A on the plus strand (A>T on the coding strand, the complement: HIVEP2 is on the minus strand). VCF-style: chr6-142773826-T-A. GRCh37 (hg19) VCF-style: chr6-143094963-T-A.
Other names: c.913A>T (NM_006734.3); short protein forms I305F.
Identifiers: ClinVar variation 1676041 (VCV001676041.35), dbSNP rs868085949, ClinGen allele CA149019983.

ClinVar aggregate classification (germline): Conflicting classifications of pathogenicity. Review status: criteria provided, conflicting classifications (1 of 4 stars). 4 submissions from 4 submitters: Uncertain significance (2); Likely benign (2). Last evaluated 2025-05-29.

Conditions:
Inborn genetic diseases. Identifiers: MedGen C0950123, MeSH D030342.

Allele frequency attached by ClinVar (database versions not stated): gnomAD 0.00001; TOPMed 0.00002.
gnomAD v4.1: 16 of 1,613,702 alleles (0.00099%); highest among the groups gnomAD compares: Middle Eastern, 0.13%; no homozygotes.

Submissions (4):

Women's Health and Genetics/Laboratory Corporation of America, LabCorp
Classification: Uncertain significance. Last evaluated: 2025-05-29. Review status: criteria provided, single submitter. Criteria: LabCorp Variant Classification Summary - May 2015. Collection method: clinical testing. Allele origin: germline.
Comment: Variant summary: HIVEP2 c.913A>T (p.Ile305Phe) results in a non-conservative amino acid change in the encoded protein sequence. Algorithms developed to predict the effect of missense changes on protein structure and function are either unavailable or do not agree on the potential impact of this missense change. The variant was absent in 248928 control chromosomes. The available data on variant occurrences in the general population are insufficient to allow any conclusion about variant significance. To our knowledge, no occurrence of c.913A>T in individuals affected with Intellectual Disability, Autosomal Dominant 43 and no experimental evidence demonstrating its impact on protein function have been reported. ClinVar contains an entry for this variant (Variation ID: 1676041). Based on the evidence outlined above, the variant was classified as uncertain significance.

Blueprint Genetics
Classification: Likely benign. Last evaluated: 2024-11-12. Review status: criteria provided, single submitter. Criteria: ACMG Guidelines, 2015. Collection method: clinical testing. Allele origin: germline.

Ambry Genetics
Classification: Uncertain significance for Inborn genetic diseases. Last evaluated: 2024-10-09. Review status: criteria provided, single submitter. Criteria: Ambry Variant Classification Scheme 2023. Collection method: clinical testing. Allele origin: germline.

CeGaT Center for Human Genetics Tuebingen
Classification: Likely benign. Last evaluated: 2023-01-01. Review status: criteria provided, single submitter. Criteria: CeGaT Center For Human Genetics Tuebingen Variant Classification Criteria Version 2. Collection method: clinical testing. Allele origin: germline. Affected: yes. Observed: 2 variant alleles.
Comment: HIVEP2: BP1, BP4, BS2